The following is an entry in ClinVar:

ClinVar aggregate classification (germline): Uncertain significance (1 of 4 stars; one submission).

Conditions:
Inborn genetic diseases. Identifiers: MedGen C0950123, MeSH D030342.

Submission:

Ambry Genetics
Classification: Uncertain significance for Inborn genetic diseases. Last evaluated: 2025-10-29. Review status: criteria provided, single submitter. Criteria: Ambry Variant Classification Scheme 2023. Collection method: clinical testing. Allele origin: germline.
Comment: The p.F954C variant (also known as c.2861T>G), located in coding exon 30 of the FANCA gene, results from a T to G substitution at nucleotide position 2861. The phenylalanine at codon 954 is replaced by cysteine, an amino acid with highly dissimilar properties. This amino acid position is conserved. In addition, this alteration is predicted to be deleterious by in silico analysis. Based on the available evidence, the clinical significance of this variant remains unclear.

NM_000135.4(FANCA):c.2861T>G (p.Phe954Cys)

Gene: FANCA (FA complementation group A; minus strand). Cytogenetic location: 16q24.3.
Variant type: single nucleotide variant.
Coding change: c.2861T>G on transcript NM_000135.4 (MANE Select); coding-DNA position 2861, T replaced by G.
Protein change: p.Phe954Cys; replaces phenylalanine 954 with cysteine.
Molecular consequence: missense variant.
Genome position (GRCh38, 1-based): chr16:89,758,697, A>C on the plus strand (T>G on the coding strand, the complement: FANCA is on the minus strand). VCF-style: chr16-89758697-A-C. GRCh37 (hg19) VCF-style: chr16-89825105-A-C.
Other names: c.2861T>G, p.Phe954Cys (NM_001286167.3); short protein forms F954C.
Identifiers: ClinVar variation 4619232 (VCV004619232.1).